The following is an entry in ClinVar:

ClinVar aggregate classification (germline): Uncertain significance (1 of 4 stars; one submission).

gnomAD v4.1: 23 of 1,611,816 alleles (0.0014%); highest among the groups gnomAD compares: South Asian, 0.0044%; no homozygotes.

Submission:

Dasa
Classification: Uncertain significance. Last evaluated: 2026-06-01. Review status: criteria provided, single submitter. Criteria: DASA Assertion Criteria. Collection method: clinical testing. Allele origin: germline.
Comment: NM_016069.11(PAM16):c.298C>T (p.Arg100Cys) is a missense variant that results in the substitution of arginine with cysteine. This variant is rare in population databases. The currently available literature and clinical evidence are not sufficient to establish a definitive association between this variant and the reported condition. Therefore, this variant is classified as a variant of uncertain significance.

NM_016069.11(PAM16):c.298C>T (p.Arg100Cys)

Genes: CORO7-PAM16 (CORO7-PAM16 readthrough; minus strand), PAM16 (presequence translocase associated motor 16; minus strand). Cytogenetic location: 16p13.3.
Variant type: single nucleotide variant.
Coding change: c.298C>T on transcript NM_016069.11 (MANE Select); coding-DNA position 298, C replaced by T.
Protein change: p.Arg100Cys; replaces arginine 100 with cysteine.
Molecular consequence: missense variant.
Genome position (GRCh38, 1-based): chr16:4,340,399, G>A on the plus strand (C>T on the coding strand, the complement: PAM16 is on the minus strand). VCF-style: chr16-4340399-G-A. GRCh37 (hg19) VCF-style: chr16-4390400-G-A.
Other names: c.3067C>T, p.Arg1023Cys (NM_001201479.2); short protein forms R100C, R1023C.
Identifiers: ClinVar variation 5020452 (VCV005020452.1).